The following is an entry in ClinVar:

NC_000008.11:g.(?_89935582)_(89958864_?)dup

Gene: NBN (nibrin; minus strand). Cytogenetic location: 8q21.3.
Variant type: Duplication.
Identifiers: ClinVar variation 833330 (VCV000833330.3).

ClinVar aggregate classification (germline): Uncertain significance (1 of 4 stars; one submission).

Conditions:
Microcephaly, normal intelligence and immunodeficiency (NBS). Also called: Ataxia telangiectasia variant V1; Nijmegen breakage syndrome; Immunodeficiency, microcephaly with normal intelligence; IMMUNODEFICIENCY, MICROCEPHALY, AND CHROMOSOMAL INSTABILITY; SEEMANOVA SYNDROME II; BERLIN BREAKAGE SYNDROME. Identifiers: Orphanet 647, MedGen C0398791, MONDO:0009623, OMIM 251260.

Submission:

Labcorp Genetics (formerly Invitae), Labcorp
Classification: Uncertain significance for Microcephaly, normal intelligence and immunodeficiency. Last evaluated: 2022-09-13. Review status: criteria provided, single submitter. Criteria: Invitae Variant Classification Sherloc (09022015). Collection method: clinical testing. Allele origin: germline.
Comment: This variant results in a copy number gain of the genomic region encompassing exon(s) 9-16 of the NBN gene. This region includes the termination codon of the gene. This copy number gain extends beyond the assayed region for this gene and therefore may encompass additional genes. As the precise location of this event is unknown, it may be in tandem or it may be located elsewhere in the genome. This variant has not been reported in the literature in individuals affected with NBN-related conditions. Experimental studies and prediction algorithms are not available or were not evaluated, and the functional significance of this variant is currently unknown. In summary, the available evidence is currently insufficient to determine the role of this variant in disease. Therefore, it has been classified as a Variant of Uncertain Significance.